The following is an entry in ClinVar:

ClinVar aggregate classification (germline): Uncertain significance. Review status: criteria provided, multiple submitters, no conflicts (2 of 4 stars). 3 submissions from 3 submitters: Uncertain significance (3). Last evaluated 2026-02-04.

Conditions:
Inborn genetic diseases. Identifiers: MedGen C0950123, MeSH D030342.

Allele frequency attached by ClinVar (database versions not stated): gnomAD exomes 0.00004; ExAC 0.00005; gnomAD 0.00005 and 0.00006; TOPMed 0.00005; ESP Exome Variant Server 0.00008.

Submissions (3):

Labcorp Genetics (formerly Invitae), Labcorp
Classification: Uncertain significance. Last evaluated: 2026-02-04. Review status: criteria provided, single submitter. Criteria: Invitae Variant Classification Sherloc (09022015). Collection method: clinical testing. Allele origin: germline.
Comment: This sequence change replaces serine, which is neutral and polar, with alanine, which is neutral and non-polar, at codon 1106 of the DCHS1 protein (p.Ser1106Ala). This variant is present in population databases (rs146557906, gnomAD 0.01%). This variant has not been reported in the literature in individuals affected with DCHS1-related conditions. ClinVar contains an entry for this variant (Variation ID: 1427335). Invitae Evidence Modeling of protein sequence and biophysical properties (such as structural, functional, and spatial information, amino acid conservation, physicochemical variation, residue mobility, and thermodynamic stability) indicates that this missense variant is expected to disrupt DCHS1 protein function with a positive predictive value of 80%. In summary, the available evidence is currently insufficient to determine the role of this variant in disease. Therefore, it has been classified as a Variant of Uncertain Significance.

CeGaT Center for Human Genetics Tuebingen
Classification: Uncertain significance. Last evaluated: 2024-07-01. Review status: criteria provided, single submitter. Criteria: CeGaT Center For Human Genetics Tuebingen Variant Classification Criteria Version 2. Collection method: clinical testing. Allele origin: germline. Affected: yes. Observed: 1 variant allele.
Comment: DCHS1: PM2, BP4

Ambry Genetics
Classification: Uncertain significance for Inborn genetic diseases. Last evaluated: 2024-05-30. Review status: criteria provided, single submitter. Criteria: Ambry Variant Classification Scheme 2023. Collection method: clinical testing. Allele origin: germline.

NM_003737.4(DCHS1):c.3316T>G (p.Ser1106Ala)

Gene: DCHS1 (dachsous cadherin-related 1; minus strand). Cytogenetic location: 11p15.4.
Variant type: single nucleotide variant.
Coding change: c.3316T>G on transcript NM_003737.4 (MANE Select); coding-DNA position 3316, T replaced by G.
Protein change: p.Ser1106Ala; replaces serine 1106 with alanine.
Molecular consequence: missense variant.
Genome position (GRCh38, 1-based): chr11:6,632,196, A>C on the plus strand (T>G on the coding strand, the complement: DCHS1 is on the minus strand). VCF-style: chr11-6632196-A-C. GRCh37 (hg19) VCF-style: chr11-6653427-A-C.
Other names: c.3316T>G (NM_003737.2); short protein forms S1106A.
Identifiers: ClinVar variation 1427335 (VCV001427335.25), dbSNP rs146557906, ClinGen allele CA5860563.
Genomic context (GRCh38, chr11:6,632,196, plus strand): 5'-GGCCCACGCTGGTCCCTGGGGGCTGGTTCTCAGCCACAGCCAGGAAGGTGGGATCCTCAG[A>C]CAAGCGGGGACTGTGTTCATTCTGGTTGAGGATGCTGACCCTCACGGTGGCTGTGCCTGT-3'
Protein context (NP_003728.1, residues 1096-1116): LNQNEHSPRL[Ser1106Ala]EDPTFLAVAE